The following is an entry in ClinVar:

ClinVar aggregate classification (germline): Uncertain significance (1 of 4 stars; one submission).

gnomAD v4.1: 6 of 1,582,998 alleles (0.00038%); highest among the groups gnomAD compares: Admixed American, 0.0019%; no homozygotes.

Submission:

Dasa
Classification: Uncertain significance. Last evaluated: 2025-10-02. Review status: criteria provided, single submitter. Criteria: DASA Assertion Criteria. Collection method: clinical testing. Allele origin: germline.
Comment: NM_001385012.1(NBEA):c.8132G>A (p.Arg2711His) is a missense variant that results in the substitution of arginine with histidine. This variant is rare in population databases. The currently available literature and clinical evidence are not sufficient to establish a definitive association between this variant and the reported condition. Therefore, this variant is classified as a variant of uncertain significance.

NM_001385012.1(NBEA):c.8132G>A (p.Arg2711His)

Gene: NBEA (neurobeachin; plus strand). Cytogenetic location: 13q13.3.
Variant type: single nucleotide variant.
Coding change: c.8132G>A on transcript NM_001385012.1 (MANE Select); coding-DNA position 8132, G replaced by A.
Protein change: p.Arg2711His; replaces arginine 2711 with histidine.
Molecular consequence: missense variant.
Genome position (GRCh38, 1-based): chr13:35,654,951, G>A. VCF-style: chr13-35654951-G-A. GRCh37 (hg19) VCF-style: chr13-36229088-G-A.
Other names: c.1448G>A, p.Arg483His (NM_001204197.3); c.8123G>A, p.Arg2708His (NM_001379245.1); c.8069G>A, p.Arg2690His (NM_015678.5); short protein forms R2690H, R2708H, R2711H, R483H.
Identifiers: ClinVar variation 4882899 (VCV004882899.2).
Genomic context (GRCh38, chr13:35,654,951, plus strand): 5'-ACCTCGTTGACCAGAGTATACAAATCAATGCACATTGTTTTGTGGTAACAGCAGATAATC[G>A]CTATATTCTTATCTGTGGATTCTGGGATAAGAGCTTCAGAGTTTATTCTACAGAAACAGG-3'
Protein context (NP_001371941.1, residues 2701-2721): AHCFVVTADN[Arg2711His]YILICGFWDK